The following is an entry in ClinVar:

ClinVar aggregate classification (germline): Likely pathogenic (1 of 4 stars; one submission).

Conditions:
Dilated cardiomyopathy 1G (CMD1G). Identifiers: Orphanet 154, MedGen C1858763, MONDO:0011400, OMIM 604145.
Autosomal recessive limb-girdle muscular dystrophy type 2J (LGMDR10). Also called: Limb-girdle muscular dystrophy, type 2J; MUSCULAR DYSTROPHY, LIMB-GIRDLE, AUTOSOMAL RECESSIVE 10. Identifiers: Orphanet 140922, MedGen C1837342, MONDO:0012127, OMIM 608807.

Submission:

Labcorp Genetics (formerly Invitae), Labcorp
Classification: Likely pathogenic for Dilated cardiomyopathy 1G; Autosomal recessive limb-girdle muscular dystrophy type 2J. Last evaluated: 2024-10-18. Review status: criteria provided, single submitter. Criteria: Invitae Variant Classification Sherloc (09022015). Collection method: clinical testing. Allele origin: germline.
Comment: This sequence change creates a premature translational stop signal (p.Ile14492Leufs*15) in the TTN gene. While this is not anticipated to result in nonsense mediated decay, it is expected to create a truncated TTN protein. This variant is not present in population databases (gnomAD no frequency). This variant has not been reported in the literature in individuals affected with TTN-related conditions. ClinVar contains an entry for this variant (Variation ID: 836184). This variant is located in the I band of TTN (PMID: 25589632). Truncating variants in this region have been reported in individuals affected with autosomal recessive centronuclear myopathy (PMID: 23975875, internal data). Truncating variants in this region have also been identified in individuals affected with autosomal dominant dilated cardiomyopathy and/or cardio-related conditions (PMID: 27869827, 32964742, internal data). In summary, the currently available evidence indicates that the variant is pathogenic, but additional data are needed to prove that conclusively. Therefore, this variant has been classified as Likely Pathogenic.

Literature cited by the submitters: PubMed 25589632; PubMed 23975875; PubMed 27869827; PubMed 32964742.

NM_001267550.2(TTN):c.43474del (p.Ile14492fs)

Gene: TTN (titin; minus strand). Cytogenetic location: 2q31.2.
Variant type: Deletion.
Coding change: c.43474del on transcript NM_001267550.2 (MANE Select); coding-DNA position 43474, one base deleted (A; older notation c.43474delA).
Protein change: p.Ile14492fs; shifts the reading frame from isoleucine 14492.
Molecular consequence: frameshift variant.
Genome position (GRCh38, 1-based): chr2:178,632,532, T deleted on the plus strand (A on the coding strand, the reverse complement: TTN is on the minus strand). VCF-style (leftmost placement, unchanged base first): chr2-178632531-AT-A. GRCh37 (hg19) VCF-style: chr2-179497258-AT-A.
Other names: c.38551del, p.Ile12851fs (NM_001256850.1); c.16279del, p.Ile5427fs (NM_003319.4); c.35770del, p.Ile11924fs (NM_133378.4); c.16654del, p.Ile5552fs (NM_133432.3); c.16855del, p.Ile5619fs (NM_133437.4); short protein forms I11924fs, I12851fs, I5427fs, I5552fs, I14492fs, I5619fs.
Identifiers: ClinVar variation 836184 (VCV000836184.6), dbSNP rs2059934937, ClinGen allele CA916081352.